The following is an entry in ClinVar:

ClinVar aggregate classification (germline): Uncertain significance (1 of 4 stars; one submission).

Conditions:
Hereditary cancer-predisposing syndrome. Also called: Neoplastic Syndromes, Hereditary; Tumor predisposition; Hereditary neoplastic syndrome; Hereditary Cancer Syndrome. Identifiers: Orphanet 140162, MedGen C0027672, MeSH D009386, MONDO:0015356.

Submission:

Labcorp Genetics (formerly Invitae), Labcorp
Classification: Uncertain significance for Hereditary cancer-predisposing syndrome. Last evaluated: 2021-05-12. Review status: criteria provided, single submitter. Criteria: Invitae Variant Classification Sherloc (09022015). Collection method: clinical testing. Allele origin: germline.
Comment: This sequence change replaces alanine with glycine at codon 80 of the RAD50 protein (p.Ala80Gly). The alanine residue is highly conserved and there is a small physicochemical difference between alanine and glycine. This variant is not present in population databases (ExAC no frequency). This variant has not been reported in the literature in individuals with RAD50-related conditions. Algorithms developed to predict the effect of missense changes on protein structure and function (SIFT, PolyPhen-2, Align-GVGD) all suggest that this variant is likely to be disruptive, but these predictions have not been confirmed by published functional studies and their clinical significance is uncertain. In summary, the available evidence is currently insufficient to determine the role of this variant in disease. Therefore, it has been classified as a Variant of Uncertain Significance.

NM_005732.4(RAD50):c.239C>G (p.Ala80Gly)

Gene: RAD50 (RAD50 double strand break repair protein; plus strand). Cytogenetic location: 5q31.1.
Variant type: single nucleotide variant.
Coding change: c.239C>G on transcript NM_005732.4 (MANE Select); coding-DNA position 239, C replaced by G.
Protein change: p.Ala80Gly; replaces alanine 80 with glycine.
Molecular consequence: missense variant.
Genome position (GRCh38, 1-based): chr5:132,575,802, C>G. VCF-style: chr5-132575802-C-G. GRCh37 (hg19) VCF-style: chr5-131911494-C-G.
Other names: short protein forms A80G.
Identifiers: ClinVar variation 1353089 (VCV001353089.8), dbSNP rs1554097570, ClinGen allele CA360930342.